The following is an entry in ClinVar:

ClinVar aggregate classification (germline): Uncertain significance (1 of 4 stars; one submission).

Conditions:
Mitochondrial hypertrophic cardiomyopathy with lactic acidosis due to MTO1 deficiency. Also called: CARDIOMYOPATHY, INFANTILE HYPERTROPHIC MITOCHONDRIAL, AND LACTIC ACIDOSIS; Combined oxidative phosphorylation deficiency 10. Identifiers: Orphanet 314637, MedGen C4749921, MONDO:0013865, OMIM 614702.

Submission:

Labcorp Genetics (formerly Invitae), Labcorp
Classification: Uncertain significance for Mitochondrial hypertrophic cardiomyopathy with lactic acidosis due to MTO1 deficiency. Last evaluated: 2021-03-18. Review status: criteria provided, single submitter. Criteria: Invitae Variant Classification Sherloc (09022015). Collection method: clinical testing. Allele origin: germline.
Comment: In summary, the available evidence is currently insufficient to determine the role of this variant in disease. Therefore, it has been classified as a Variant of Uncertain Significance. Algorithms developed to predict the effect of missense changes on protein structure and function are either unavailable or do not agree on the potential impact of this missense change (SIFT: "Deleterious"; PolyPhen-2: "Probably Damaging"; Align-GVGD: "Class C0"). This variant has not been reported in the literature in individuals with MTO1-related conditions. This variant is not present in population databases (ExAC no frequency). This sequence change replaces histidine with glutamine at codon 330 of the MTO1 protein (p.His330Gln). The histidine residue is highly conserved and there is a small physicochemical difference between histidine and glutamine.

NM_012123.4(MTO1):c.990T>A (p.His330Gln)

Gene: MTO1 (mitochondrial tRNA translation optimization 1; plus strand). Cytogenetic location: 6q13.
Variant type: single nucleotide variant.
Coding change: c.990T>A on transcript NM_012123.4 (MANE Select); coding-DNA position 990, T replaced by A.
Protein change: p.His330Gln; replaces histidine 330 with glutamine.
Molecular consequence: missense variant.
Genome position (GRCh38, 1-based): chr6:73,479,987, T>A. VCF-style: chr6-73479987-T-A. GRCh37 (hg19) VCF-style: chr6-74189710-T-A.
Other names: c.990T>A, p.His330Gln (NM_001123226.2, NM_133645.3); short protein forms H330Q.
Identifiers: ClinVar variation 1516679 (VCV001516679.8), dbSNP rs2150035817, ClinGen allele CA364714669.